The following is an entry in ClinVar:

NM_138387.4(G6PC3):c.37G>C (p.Glu13Gln)

Gene: G6PC3 (glucose-6-phosphatase catalytic subunit 3; plus strand). Cytogenetic location: 17q21.31.
Variant type: single nucleotide variant.
Coding change: c.37G>C on transcript NM_138387.4 (MANE Select); coding-DNA position 37, G replaced by C.
Protein change: p.Glu13Gln; replaces glutamic acid 13 with glutamine.
Molecular consequence: missense variant. On other transcripts: 5 prime UTR variant (3), intron variant (1).
Genome position (GRCh38, 1-based): chr17:44,071,002, G>C. VCF-style: chr17-44071002-G-C. GRCh37 (hg19) VCF-style: chr17-42148370-G-C.
Other names: c.37G>C, p.Glu13Gln (NM_001319945.2); c.-368G>C (NM_001384165.1); c.-503G>C (NM_001384166.1); c.-493G>C (NM_001384167.1); c.-312+288G>C (NM_001384168.1); c.37G>C (NM_138387.3); short protein forms E13Q.
Identifiers: ClinVar variation 1495846 (VCV001495846.5), dbSNP rs754034468, ClinGen allele CA399745660.

ClinVar aggregate classification (germline): Uncertain significance. Review status: criteria provided, multiple submitters, no conflicts (2 of 4 stars). 2 submissions from 2 submitters: Uncertain significance (2). Last evaluated 2025-08-23.

Conditions:
Inborn genetic diseases. Identifiers: MedGen C0950123, MeSH D030342.
Autosomal recessive severe congenital neutropenia due to G6PC3 deficiency. Also called: NEUTROPENIA, SEVERE CONGENITAL, 4, AUTOSOMAL RECESSIVE; G6PC3 Deficiency. Identifiers: Orphanet 331176, MedGen C2751630, MONDO:0012930, OMIM 612541.

Submissions (2):

Ambry Genetics
Classification: Uncertain significance for Inborn genetic diseases. Last evaluated: 2025-08-23. Review status: criteria provided, single submitter. Criteria: Ambry Variant Classification Scheme 2023. Collection method: clinical testing. Allele origin: germline.
Comment: The p.E13Q variant (also known as c.37G>C), located in coding exon 1 of the G6PC3 gene, results from a G to C substitution at nucleotide position 37. The glutamic acid at codon 13 is replaced by glutamine, an amino acid with highly similar properties. This amino acid position is conserved. In addition, this alteration is predicted to be tolerated by in silico analysis. Based on the available evidence, the clinical significance of this variant remains unclear.

Labcorp Genetics (formerly Invitae), Labcorp
Classification: Uncertain significance for Autosomal recessive severe congenital neutropenia due to G6PC3 deficiency. Last evaluated: 2022-03-09. Review status: criteria provided, single submitter. Criteria: Invitae Variant Classification Sherloc (09022015). Collection method: clinical testing. Allele origin: germline.
Comment: This sequence change replaces glutamic acid, which is acidic and polar, with glutamine, which is neutral and polar, at codon 13 of the G6PC3 protein (p.Glu13Gln). This variant is not present in population databases (gnomAD no frequency). This variant has not been reported in the literature in individuals affected with G6PC3-related conditions. Algorithms developed to predict the effect of missense changes on protein structure and function are either unavailable or do not agree on the potential impact of this missense change (SIFT: "Tolerated"; PolyPhen-2: "Possibly Damaging"; Align-GVGD: "Class C0"). In summary, the available evidence is currently insufficient to determine the role of this variant in disease. Therefore, it has been classified as a Variant of Uncertain Significance.